The following is an entry in ClinVar:

NM_000124.4(ERCC6):c.2448del (p.Lys817fs)

Gene: ERCC6 (ERCC excision repair 6, chromatin remodeling factor; minus strand). Cytogenetic location: 10q11.23.
Variant type: Deletion.
Coding change: c.2448del on transcript NM_000124.4 (MANE Select); coding-DNA position 2448, one base deleted (C; older notation c.2448delC).
Protein change: p.Lys817fs; shifts the reading frame from lysine 817.
Molecular consequence: frameshift variant.
Genome position (GRCh38, 1-based): chr10:49,474,177, G deleted on the plus strand (C on the coding strand, the reverse complement: ERCC6 is on the minus strand); the first of 3 consecutive G bases (chr10:49,474,177-49,474,179); deleting any one gives the same sequence. VCF-style (leftmost placement, unchanged base first): chr10-49474176-TG-T. GRCh37 (hg19) VCF-style: chr10-50682222-TG-T.
Other names: c.2448del, p.Lys817fs (NM_001346440.2); short protein forms K817fs.
Identifiers: ClinVar variation 5014435 (VCV005014435.1).

ClinVar aggregate classification (germline): Pathogenic (1 of 4 stars; one submission).

Conditions:
Cockayne spectrum with or without cerebrooculofacioskeletal syndrome. Identifiers: MedGen CN315928, MONDO:0100506.

Submission:

Myriad Genetics, Inc.
Classification: Pathogenic for Cockayne spectrum with or without cerebrooculofacioskeletal syndrome. Last evaluated: 2025-05-13. Review status: criteria provided, single submitter. Criteria: Myriad Autosomal Dominant, Autosomal Recessive and X-Linked Classification Criteria (2023). Collection method: clinical testing. Allele origin: unknown.
Comment: NM_000124.2(ERCC6):c.2448delC(K817Rfs*11) is expected to be pathogenic in the context of ERCC6-related disorders. This variant is predicted to lead to an abnormal or absent protein product due to the creation of a premature termination codon in ERCC6, a gene where loss-of-function variants are known to be pathogenic. Please note: this variant was assessed in the context of healthy population screening.